The following is an entry in ClinVar:

NM_033380.3(COL4A5):c.1625G>A (p.Gly542Glu)

Gene: COL4A5 (collagen type IV alpha 5 chain; plus strand). Cytogenetic location: Xq22.3.
Variant type: single nucleotide variant.
Coding change: c.1625G>A on transcript NM_033380.3 (MANE Select); coding-DNA position 1625, G replaced by A.
Protein change: p.Gly542Glu; replaces glycine 542 with glutamic acid.
Molecular consequence: missense variant.
Genome position (GRCh38, 1-based): chrX:108,597,414, G>A. VCF-style: chrX-108597414-G-A. GRCh37 (hg19) VCF-style: chrX-107840644-G-A.
Other names: c.1625G>A, p.Gly542Glu (NM_000495.5); short protein forms G542E.
Identifiers: ClinVar variation 4854374 (VCV004854374.1).

ClinVar aggregate classification (germline): Likely pathogenic (1 of 4 stars; one submission).

Conditions:
X-linked Alport syndrome (ATS1). Also called: NEPHROPATHY AND DEAFNESS, X-LINKED; COL4A5-Related Nephropathy. Identifiers: Orphanet 63, Orphanet 88917, MedGen C4746986, MONDO:0010520, OMIM 301050.

Submission:

3billion
Classification: Likely pathogenic for X-linked Alport syndrome. Last evaluated: 2026-01-22. Review status: criteria provided, single submitter. Criteria: ACMG Guidelines, 2015. Collection method: clinical testing. Allele origin: germline. Affected: yes.
Comment: The variant is not observed in the gnomAD v4.1.0 dataset. Predicted Consequence/Location: The variant is located in a mutational hot spot and/or well-established functional domain in which established pathogenic variants have been reported (N/A). In silico tool predictions suggest damaging effect of the variant on gene or gene product [REVEL: 0.96 (>=0.6, sensitivity 0.68 and specificity 0.92); 3Cnet: 0.93 (> 0.75, sensitivity 0.96 and precision 0.92)]. Different missense changes at the same codon (p.Gly542Arg, p.Gly542Val) have been reported to be associated with COL4A5-related disorder (ClinVar ID: VCV001806082 /PMID: 35675912). Therefore, this variant is classified as Likely pathogenic according to the recommendation of ACMG/AMP guideline.

Literature cited by the submitters: PubMed 35675912.